The following is an entry in ClinVar:

NM_014467.3(SRPX2):c.920A>G (p.Gln307Arg)

Gene: SRPX2 (sushi repeat containing protein X-linked 2; plus strand). Cytogenetic location: Xq22.1.
Variant type: single nucleotide variant.
Coding change: c.920A>G on transcript NM_014467.3 (MANE Select); coding-DNA position 920, A replaced by G.
Protein change: p.Gln307Arg; replaces glutamine 307 with arginine.
Molecular consequence: missense variant.
Genome position (GRCh38, 1-based): chrX:100,666,892, A>G. VCF-style: chrX-100666892-A-G. GRCh37 (hg19) VCF-style: chrX-99921889-A-G.
Other names: short protein forms Q307R.
Identifiers: ClinVar variation 198858 (VCV000198858.12), dbSNP rs147757229, ClinGen allele CA247707.

ClinVar aggregate classification (germline): Uncertain significance. Review status: criteria provided, multiple submitters, no conflicts (2 of 4 stars). 3 submissions from 3 submitters: Uncertain significance (3). Last evaluated 2024-10-08.

Conditions:
Rolandic epilepsy, impaired intellectual development, and speech dyspraxia, X-linked. Also called: Rolandic epilepsy, impaired intellectual development, and speech dyspraxia; Rolandic epilepsy, intellectual disability, and speech dyspraxia, X-linked. Identifiers: MedGen C1845070, MONDO:0010388, OMIM 300643.

Allele frequency attached by ClinVar (database versions not stated): gnomAD exomes 0.00001 and 0.00005; ExAC 0.00005; gnomAD 0.00017; TOPMed 0.00019; ESP Exome Variant Server 0.00028.
gnomAD v4.1: 36 of 1,209,246 alleles (0.003%); highest among the groups gnomAD compares: African/African-American, 0.052%; no homozygotes.

Submissions (3):

Ambry Genetics
Classification: Uncertain significance. Last evaluated: 2024-10-08. Review status: criteria provided, single submitter. Criteria: Ambry Variant Classification Scheme 2023. Collection method: clinical testing. Allele origin: germline.

Labcorp Genetics (formerly Invitae), Labcorp
Classification: Uncertain significance for Rolandic epilepsy, impaired intellectual development, and speech dyspraxia, X-linked. Last evaluated: 2021-08-20. Review status: criteria provided, single submitter. Criteria: Invitae Variant Classification Sherloc (09022015). Collection method: clinical testing. Allele origin: germline.
Comment: This sequence change replaces glutamine with arginine at codon 307 of the SRPX2 protein (p.Gln307Arg). The glutamine residue is highly conserved and there is a small physicochemical difference between glutamine and arginine. This variant is present in population databases (rs147757229, ExAC 0.05%). This variant has not been reported in the literature in individuals affected with SRPX2-related conditions. ClinVar contains an entry for this variant (Variation ID: 198858). Algorithms developed to predict the effect of missense changes on protein structure and function are either unavailable or do not agree on the potential impact of this missense change (SIFT: "Tolerated"; PolyPhen-2: "Possibly Damaging"; Align-GVGD: "Class C0"). In summary, the available evidence is currently insufficient to determine the role of this variant in disease. Therefore, it has been classified as a Variant of Uncertain Significance.

Eurofins Ntd Llc (ga)
Classification: Uncertain significance. Last evaluated: 2014-06-27. Review status: criteria provided, single submitter. Criteria: EGL Classification Definitions 2015. Collection method: clinical testing. Allele origin: germline. Observed: 1 variant allele, 1 heterozygote.